The following is an entry in ClinVar:

NM_001384732.1(CPLANE1):c.2123A>C (p.Glu708Ala)

Gene: CPLANE1 (ciliogenesis and planar polarity effector complex subunit 1; minus strand). Cytogenetic location: 5p13.2.
Variant type: single nucleotide variant.
Coding change: c.2123A>C on transcript NM_001384732.1 (MANE Select); coding-DNA position 2123, A replaced by C.
Protein change: p.Glu708Ala; replaces glutamic acid 708 with alanine.
Molecular consequence: missense variant.
Genome position (GRCh38, 1-based): chr5:37,226,472, T>G on the plus strand (A>C on the coding strand, the complement: CPLANE1 is on the minus strand). VCF-style: chr5-37226472-T-G. GRCh37 (hg19) VCF-style: chr5-37226574-T-G.
Other names: c.2123A>C, p.Glu708Ala (NM_023073.4); short protein forms E708A.
Identifiers: ClinVar variation 1347104 (VCV001347104.8), dbSNP rs2150433315, ClinGen allele CA359496095.

ClinVar aggregate classification (germline): Uncertain significance (1 of 4 stars; one submission).

Submission:

Labcorp Genetics (formerly Invitae), Labcorp
Classification: Uncertain significance. Last evaluated: 2021-02-26. Review status: criteria provided, single submitter. Criteria: Invitae Variant Classification Sherloc (09022015). Collection method: clinical testing. Allele origin: germline.
Comment: This sequence change replaces glutamic acid with alanine at codon 708 of the CPLANE1 protein (p.Glu708Ala). The glutamic acid residue is weakly conserved and there is a moderate physicochemical difference between glutamic acid and alanine. In summary, the available evidence is currently insufficient to determine the role of this variant in disease. Therefore, it has been classified as a Variant of Uncertain Significance. This variant is not present in population databases (ExAC no frequency). This variant has not been reported in the literature in individuals with CPLANE1-related conditions. Advanced modeling of protein sequence and biophysical properties (such as structural, functional, and spatial information, amino acid conservation, physicochemical variation, residue mobility, and thermodynamic stability) performed at Invitae indicates that this missense variant is expected to disrupt CPLANE1 protein function. Algorithms developed to predict the effect of sequence changes on RNA splicing suggest that this variant may create or strengthen a splice site, but this prediction has not been confirmed by published transcriptional studies.